The following is an entry in ClinVar:

NM_006904.7(PRKDC):c.8995C>T (p.Leu2999Phe)

Gene: PRKDC (protein kinase, DNA-activated, catalytic subunit; minus strand). Cytogenetic location: 8q11.21.
Variant type: single nucleotide variant.
Coding change: c.8995C>T on transcript NM_006904.7 (MANE Select); coding-DNA position 8995, C replaced by T.
Protein change: p.Leu2999Phe; replaces leucine 2999 with phenylalanine.
Molecular consequence: missense variant.
Genome position (GRCh38, 1-based): chr8:47,821,720, G>A on the plus strand (C>T on the coding strand, the complement: PRKDC is on the minus strand). VCF-style: chr8-47821720-G-A. GRCh37 (hg19) VCF-style: chr8-48734281-G-A.
Other names: c.8995C>T, p.Leu2999Phe (NM_001081640.2); short protein forms L2999F.
Identifiers: ClinVar variation 1715836 (VCV001715836.5), dbSNP rs1200961312, ClinGen allele CA371140818.

ClinVar aggregate classification (germline): Uncertain significance (1 of 4 stars; one submission).

Conditions:
Severe combined immunodeficiency due to DNA-PKcs deficiency. Also called: IMMUNODEFICIENCY 26 WITH NEUROLOGIC ABNORMALITIES; Immunodeficiency 26 with or without neurologic abnormalities. Identifiers: Orphanet 317425, MedGen C4014833, MONDO:0014423, OMIM 615966.

Submission:

Labcorp Genetics (formerly Invitae), Labcorp
Classification: Uncertain significance for Severe combined immunodeficiency due to DNA-PKcs deficiency. Last evaluated: 2022-08-09. Review status: criteria provided, single submitter. Criteria: Invitae Variant Classification Sherloc (09022015). Collection method: clinical testing. Allele origin: germline.
Comment: Experimental studies and prediction algorithms are not available or were not evaluated, and the functional significance of this variant is currently unknown. In summary, the available evidence is currently insufficient to determine the role of this variant in disease. Therefore, it has been classified as a Variant of Uncertain Significance. This variant has not been reported in the literature in individuals affected with PRKDC-related conditions. This variant is not present in population databases (gnomAD no frequency). This sequence change replaces leucine, which is neutral and non-polar, with phenylalanine, which is neutral and non-polar, at codon 2999 of the PRKDC protein (p.Leu2999Phe).